The following is an entry in ClinVar:

NM_001378743.1(CYLD):c.899A>G (p.Asn300Ser)

Gene: CYLD (CYLD lysine 63 deubiquitinase; plus strand). Cytogenetic location: 16q12.1.
Variant type: single nucleotide variant.
Coding change: c.899A>G on transcript NM_001378743.1 (MANE Select); coding-DNA position 899, A replaced by G.
Protein change: p.Asn300Ser; replaces asparagine 300 with serine.
Molecular consequence: missense variant. On other transcripts: non-coding transcript variant (1).
Genome position (GRCh38, 1-based): chr16:50,754,410, A>G. VCF-style: chr16-50754410-A-G. GRCh37 (hg19) VCF-style: chr16-50788321-A-G.
Other names: c.899A>G, p.Asn300Ser (NM_001042355.2, NM_001042412.3, NM_001378744.1 and 10 more transcripts); c.233A>G, p.Asn78Ser (NM_001378754.1, NM_001378755.1); short protein forms N300S, N78S.
Identifiers: ClinVar variation 2637074 (VCV002637074.1), dbSNP rs772008589, ClinGen allele CA8052266.

ClinVar aggregate classification (germline): Uncertain significance (1 of 4 stars; one submission).

Conditions:
CYLD-related disorder. Also called: CYLD-related condition.

Allele frequency attached by ClinVar (database versions not stated): TOPMed 0.00002; gnomAD exomes below 0.00001; ExAC 0.00001; gnomAD 0.00001.
gnomAD v4.1: 7 of 1,605,218 alleles (0.00044%); highest among the groups gnomAD compares: African/African-American, 0.0027%; no homozygotes.

Submission:

PreventionGenetics, part of Exact Sciences
Classification: Uncertain significance for CYLD-related condition. Last evaluated: 2023-08-09. Review status: criteria provided, single submitter. Criteria: ACMG Guidelines, 2015. Collection method: clinical testing. Allele origin: germline.
Comment: The CYLD c.899A>G variant is predicted to result in the amino acid substitution p.Asn300Ser. To our knowledge, this variant has not been reported in the literature. This variant is reported in 0.0018% of alleles in individuals of European (Non-Finnish) descent in gnomAD and is not reported in ClinVar. At this time, the clinical significance of this variant is uncertain due to the absence of conclusive functional and genetic evidence.